The following is an entry in ClinVar:

ClinVar aggregate classification (germline): Uncertain significance (1 of 4 stars; one submission).

Allele frequency attached by ClinVar (database versions not stated): gnomAD 0.00001.
gnomAD v4.1: 3 of 1,614,052 alleles (0.00019%); highest among the groups gnomAD compares: Non-Finnish European, 0.00025%; no homozygotes.

Submission:

Labcorp Genetics (formerly Invitae), Labcorp
Classification: Uncertain significance. Last evaluated: 2024-10-16. Review status: criteria provided, single submitter. Criteria: Invitae Variant Classification Sherloc (09022015). Collection method: clinical testing. Allele origin: germline.
Comment: This sequence change replaces aspartic acid, which is acidic and polar, with glutamic acid, which is acidic and polar, at codon 70 of the ERCC3 protein (p.Asp70Glu). This variant is present in population databases (no rsID available, gnomAD 0.01%). This variant has not been reported in the literature in individuals affected with ERCC3-related conditions. ClinVar contains an entry for this variant (Variation ID: 1961385). Invitae Evidence Modeling of protein sequence and biophysical properties (such as structural, functional, and spatial information, amino acid conservation, physicochemical variation, residue mobility, and thermodynamic stability) indicates that this missense variant is expected to disrupt ERCC3 protein function with a positive predictive value of 80%. In summary, the available evidence is currently insufficient to determine the role of this variant in disease. Therefore, it has been classified as a Variant of Uncertain Significance.

NM_000122.2(ERCC3):c.210C>G (p.Asp70Glu)

Gene: ERCC3 (ERCC excision repair 3, TFIIH core complex helicase subunit; minus strand). Cytogenetic location: 2q14.3.
Variant type: single nucleotide variant.
Coding change: c.210C>G on transcript NM_000122.2 (MANE Select); coding-DNA position 210, C replaced by G.
Protein change: p.Asp70Glu; replaces aspartic acid 70 with glutamic acid.
Molecular consequence: missense variant.
Genome position (GRCh38, 1-based): chr2:127,293,537, G>C on the plus strand (C>G on the coding strand, the complement: ERCC3 is on the minus strand). VCF-style: chr2-127293537-G-C. GRCh37 (hg19) VCF-style: chr2-128051113-G-C.
Other names: c.18C>G, p.Asp6Glu (NM_001303416.2, NM_001303418.2); short protein forms D6E, D70E.
Identifiers: ClinVar variation 1961385 (VCV001961385.5), dbSNP rs1279830695, ClinGen allele CA348392029.